The following is an entry in ClinVar:

ClinVar aggregate classification (germline): Uncertain significance (1 of 4 stars; one submission).

Conditions:
Fanconi-Bickel syndrome (FBS). Also called: FANCONI SYNDROME WITH INTESTINAL MALABSORPTION AND GALACTOSE INTOLERANCE; HEPATIC GLYCOGENOSIS WITH AMINO ACIDURIA AND GLUCOSURIA; HEPATIC GLYCOGENOSIS WITH FANCONI NEPHROPATHY; HEPATORENAL GLYCOGENOSIS WITH RENAL FANCONI SYNDROME; PSEUDO-PHLORIZIN DIABETES; Glycogen storage disease due to GLUT2 deficiency. Identifiers: Orphanet 2088, MedGen C3495427, MONDO:0009216, OMIM 227810.

Allele frequency attached by ClinVar (database versions not stated): ExAC 0.00006; gnomAD 0.00013; ESP Exome Variant Server 0.00023; gnomAD exomes 0.00025.
gnomAD v4.1: 379 of 1,611,856 alleles (0.024%); highest among the groups gnomAD compares: Non-Finnish European, 0.031%; no homozygotes.

Submission:

Labcorp Genetics (formerly Invitae), Labcorp
Classification: Uncertain significance for Fanconi-Bickel syndrome. Last evaluated: 2021-12-28. Review status: criteria provided, single submitter. Criteria: Invitae Variant Classification Sherloc (09022015). Collection method: clinical testing. Allele origin: germline.
Comment: This sequence change replaces valine, which is neutral and non-polar, with leucine, which is neutral and non-polar, at codon 137 of the SLC2A2 protein (p.Val137Leu). This variant is present in population databases (rs144125084, gnomAD 0.02%). This variant has not been reported in the literature in individuals affected with SLC2A2-related conditions. Advanced modeling of protein sequence and biophysical properties (such as structural, functional, and spatial information, amino acid conservation, physicochemical variation, residue mobility, and thermodynamic stability) performed at Invitae indicates that this missense variant is not expected to disrupt SLC2A2 protein function. In summary, the available evidence is currently insufficient to determine the role of this variant in disease. Therefore, it has been classified as a Variant of Uncertain Significance.

NM_000340.2(SLC2A2):c.409G>C (p.Val137Leu)

Gene: SLC2A2 (solute carrier family 2 member 2; minus strand). Cytogenetic location: 3q26.2.
Variant type: single nucleotide variant.
Coding change: c.409G>C on transcript NM_000340.2 (MANE Select); coding-DNA position 409, G replaced by C.
Protein change: p.Val137Leu; replaces valine 137 with leucine.
Molecular consequence: missense variant. On other transcripts: intron variant (1).
Genome position (GRCh38, 1-based): chr3:171,010,045, C>G on the plus strand (G>C on the coding strand, the complement: SLC2A2 is on the minus strand). VCF-style: chr3-171010045-C-G. GRCh37 (hg19) VCF-style: chr3-170727834-C-G.
Other names: c.52G>C, p.Val18Leu (NM_001278658.2); c.-23-2782G>C (NM_001278659.2); short protein forms V18L, V137L.
Identifiers: ClinVar variation 2044590 (VCV002044590.1), dbSNP rs144125084, ClinGen allele CA2702703.